The following is an entry in ClinVar:

NM_001136191.3(KANK2):c.734G>A (p.Arg245His)

Gene: KANK2 (KN motif and ankyrin repeat domains 2; minus strand). Cytogenetic location: 19p13.2.
Variant type: single nucleotide variant.
Coding change: c.734G>A on transcript NM_001136191.3 (MANE Select); coding-DNA position 734, G replaced by A.
Protein change: p.Arg245His; replaces arginine 245 with histidine.
Molecular consequence: missense variant.
Genome position (GRCh38, 1-based): chr19:11,193,346, C>T on the plus strand (G>A on the coding strand, the complement: KANK2 is on the minus strand). VCF-style: chr19-11193346-C-T. GRCh37 (hg19) VCF-style: chr19-11304022-C-T.
Other names: c.734G>A, p.Arg245His (NM_001329451.2, NM_001379548.1, NM_001379549.1 and 15 more transcripts); short protein forms R245H.
Identifiers: ClinVar variation 4741741 (VCV004741741.1).
Genomic context (GRCh38, chr19:11,193,346, plus strand): 5'-CGGGTCTCCAGTGCCACTGGGTCCTCTGGGGGATCGGGGAGGTCCAGGCAGAGCTCGCTG[C>T]GACCCCGGCCCGCTGTGGGGTGGCCCAGGAACTTCTGGCTCTTAAGTTGTACTGTGAGCT-3'
Protein context (NP_001129663.1, residues 235-255): FLGHPTAGRG[Arg245His]SELCLDLPDP

ClinVar aggregate classification (germline): Uncertain significance (1 of 4 stars; one submission).

gnomAD v4.1: 40 of 1,612,350 alleles (0.0025%); highest among the groups gnomAD compares: African/African-American, 0.012%; no homozygotes.

Submission:

Labcorp Genetics (formerly Invitae), Labcorp
Classification: Uncertain significance. Last evaluated: 2025-04-29. Review status: criteria provided, single submitter. Criteria: Invitae Variant Classification Sherloc (09022015). Collection method: clinical testing. Allele origin: germline.
Comment: This sequence change replaces arginine, which is basic and polar, with histidine, which is basic and polar, at codon 245 of the KANK2 protein (p.Arg245His). This variant is present in population databases (rs754748677, gnomAD 0.01%). This variant has not been reported in the literature in individuals affected with KANK2-related conditions. An algorithm developed to predict the effect of missense changes on protein structure and function (PolyPhen-2) suggests that this variant is likely to be disruptive. In summary, the available evidence is currently insufficient to determine the role of this variant in disease. Therefore, it has been classified as a Variant of Uncertain Significance.